The following is an entry in ClinVar:

NM_013291.3(CPSF1):c.1084T>G (p.Phe362Val)

Gene: CPSF1 (cleavage and polyadenylation specific factor 1; minus strand). Cytogenetic location: 8q24.3.
Variant type: single nucleotide variant.
Coding change: c.1084T>G on transcript NM_013291.3 (MANE Select); coding-DNA position 1084, T replaced by G.
Protein change: p.Phe362Val; replaces phenylalanine 362 with valine.
Molecular consequence: missense variant.
Genome position (GRCh38, 1-based): chr8:144,399,816, A>C on the plus strand (T>G on the coding strand, the complement: CPSF1 is on the minus strand). VCF-style: chr8-144399816-A-C. GRCh37 (hg19) VCF-style: chr8-145625206-A-C.
Other names: short protein forms F362V.
Identifiers: ClinVar variation 3496599 (VCV003496599.2).

ClinVar aggregate classification (germline): Uncertain significance. Review status: criteria provided, multiple submitters, no conflicts (2 of 4 stars). 2 submissions from 2 submitters: Uncertain significance (2). Last evaluated 2026-07-08.

Conditions:
CPSF1-related disorder. Also called: CPSF1-related condition.

gnomAD v4.1: 5 of 1,558,980 alleles (0.00032%); highest among the groups gnomAD compares: Admixed American, 0.0077%; no homozygotes.

Submissions (2):

PreventionGenetics, part of Exact Sciences
Classification: Uncertain significance for CPSF1-related condition. Last evaluated: 2026-07-08. Review status: criteria provided, single submitter. Criteria: ACMG Guidelines, 2015. Collection method: clinical testing. Allele origin: germline.
Comment: The CPSF1 c.1084T>G variant is predicted to result in the amino acid substitution p.Phe362Val. To our knowledge, this variant has not been reported in the literature. This variant is absent in a large population database (gnomAD), indicating this variant is rare. At this time, the clinical significance of this variant is uncertain due to the absence of conclusive functional and genetic evidence.

Ambry Genetics
Classification: Uncertain significance. Last evaluated: 2024-10-25. Review status: criteria provided, single submitter. Criteria: Ambry Variant Classification Scheme 2023. Collection method: clinical testing. Allele origin: germline.